The following is an entry in ClinVar:

NM_000334.4(SCN4A):c.1213C>G (p.Gln405Glu)

Gene: SCN4A (sodium voltage-gated channel alpha subunit 4; minus strand). Cytogenetic location: 17q23.3.
Variant type: single nucleotide variant.
Coding change: c.1213C>G on transcript NM_000334.4 (MANE Select); coding-DNA position 1213, C replaced by G.
Protein change: p.Gln405Glu; replaces glutamine 405 with glutamic acid.
Molecular consequence: missense variant.
Genome position (GRCh38, 1-based): chr17:63,966,131, G>C on the plus strand (C>G on the coding strand, the complement: SCN4A is on the minus strand). VCF-style: chr17-63966131-G-C. GRCh37 (hg19) VCF-style: chr17-62043491-G-C.
Other names: short protein forms Q405E.
Identifiers: ClinVar variation 3571695 (VCV003571695.3).

ClinVar aggregate classification (germline): Uncertain significance. Review status: criteria provided, multiple submitters, no conflicts (2 of 4 stars). 2 submissions from 2 submitters: Uncertain significance (2). Last evaluated 2024-04-22.

Conditions:
Hyperkalemic periodic paralysis. Also called: Familial hyperkalemic periodic paralysis; Gamstorp disease. Identifiers: Orphanet 682, MedGen C0238357, MONDO:0008224, OMIM 170500, HP:0007215.

Submissions (2):

Athena Diagnostics
Classification: Uncertain significance. Last evaluated: 2024-04-22. Review status: criteria provided, single submitter. Criteria: Athena Diagnostics Criteria. Collection method: clinical testing. Allele origin: unknown.
Comment: Available data are insufficient to determine the clinical significance of the variant at this time. This variant has not been reported in large, multi-ethnic general populations. Polyphen and MutationTaster predict this amino acid change may be damaging to the protein.

Labcorp Genetics (formerly Invitae), Labcorp
Classification: Uncertain significance for Hyperkalemic periodic paralysis. Last evaluated: 2024-03-05. Review status: criteria provided, single submitter. Criteria: Invitae Variant Classification Sherloc (09022015). Collection method: clinical testing. Allele origin: germline.
Comment: This sequence change replaces glutamine, which is neutral and polar, with glutamic acid, which is acidic and polar, at codon 405 of the SCN4A protein (p.Gln405Glu). This variant is not present in population databases (gnomAD no frequency). This variant has not been reported in the literature in individuals affected with SCN4A-related conditions. Advanced modeling of protein sequence and biophysical properties (such as structural, functional, and spatial information, amino acid conservation, physicochemical variation, residue mobility, and thermodynamic stability) performed at Invitae indicates that this missense variant is expected to disrupt SCN4A protein function with a positive predictive value of 95%. In summary, the available evidence is currently insufficient to determine the role of this variant in disease. Therefore, it has been classified as a Variant of Uncertain Significance.